The following is an entry in ClinVar:

ClinVar aggregate classification (germline): Uncertain significance. Review status: criteria provided, multiple submitters, no conflicts (2 of 4 stars). 5 submissions from 5 submitters: Uncertain significance (5). Last evaluated 2026-06-11.

Conditions:
Charcot-Marie-Tooth disease type 2. Also called: Charcot-Marie-Tooth type 2. Identifiers: Orphanet 64746, MedGen C0270914, MONDO:0018993.
Inborn genetic diseases. Identifiers: MedGen C0950123, MeSH D030342.

Allele frequency attached by ClinVar (database versions not stated): gnomAD exomes below 0.00001 and 0.00001.
gnomAD v4.1: 13 of 1,610,936 alleles (0.00081%); highest among the groups gnomAD compares: Middle Eastern, 0.017%; no homozygotes.

Submissions (5):

Ambry Genetics
Classification: Uncertain significance for Inborn genetic diseases. Last evaluated: 2026-06-11. Review status: criteria provided, single submitter. Criteria: Ambry Variant Classification Scheme 2023. Collection method: clinical testing. Allele origin: germline.

GeneDx
Classification: Uncertain significance. Last evaluated: 2025-07-24. Review status: criteria provided, single submitter. Criteria: GeneDx Variant Classification Process June 2021. Collection method: clinical testing. Allele origin: germline. Affected: yes.
Comment: Not observed at significant frequency in large population cohorts (gnomAD); In silico analysis supports that this missense variant has a deleterious effect on protein structure/function; Has not been previously published as pathogenic or benign to our knowledge

Clinical Genetics Laboratory, Skane University Hospital Lund
Classification: Uncertain significance. Last evaluated: 2022-05-27. Review status: criteria provided, single submitter. Criteria: ACMG Guidelines, 2015. Collection method: clinical testing. Allele origin: germline. Affected: yes.

Labcorp Genetics (formerly Invitae), Labcorp
Classification: Uncertain significance for Charcot-Marie-Tooth disease type 2. Last evaluated: 2018-04-01. Review status: criteria provided, single submitter. Criteria: Invitae Variant Classification Sherloc (09022015). Collection method: clinical testing. Allele origin: germline.
Comment: In summary, the available evidence is currently insufficient to determine the role of this variant in disease. Therefore, it has been classified as a Variant of Uncertain Significance. Algorithms developed to predict the effect of missense changes on protein structure and function do not agree on the potential impact of this missense change (SIFT: "Tolerated"; PolyPhen-2: "Possibly Damaging"; Align-GVGD: "Class C0"). This variant has not been reported in the literature in individuals with BSCL2-related disease. ClinVar contains an entry for this variant (Variation ID: 245687). This variant is not present in population databases (ExAC no frequency). This sequence change replaces aspartic acid with asparagine at codon 73 of the BSCL2 protein (p.Asp73Asn). The aspartic acid residue is highly conserved and there is a small physicochemical difference between aspartic acid and asparagine.

Eurofins Ntd Llc (ga)
Classification: Uncertain significance. Last evaluated: 2017-01-23. Review status: criteria provided, single submitter. Criteria: EGL Classification Definitions 2015. Collection method: clinical testing. Allele origin: germline. Observed: 1 variant allele, 1 heterozygote.

NM_001122955.4(BSCL2):c.409G>A (p.Asp137Asn)

Genes: BSCL2 (BSCL2 lipid droplet biogenesis associated, seipin; minus strand), HNRNPUL2-BSCL2 (HNRNPUL2-BSCL2 readthrough (NMD candidate); minus strand). Cytogenetic location: 11q12.3.
Variant type: single nucleotide variant.
Coding change: c.409G>A on transcript NM_001122955.4 (MANE Select); coding-DNA position 409, G replaced by A.
Protein change: p.Asp137Asn; replaces aspartic acid 137 with asparagine.
Molecular consequence: missense variant. On other transcripts: non-coding transcript variant (1).
Genome position (GRCh38, 1-based): chr11:62,702,545, C>T on the plus strand (G>A on the coding strand, the complement: BSCL2 is on the minus strand). VCF-style: chr11-62702545-C-T. GRCh37 (hg19) VCF-style: chr11-62470017-C-T.
Other names: c.409G>A (NM_001122955.2); c.217G>A, p.Asp73Asn (NM_001130702.2, NM_032667.6); c.409G>A, p.Asp137Asn (NM_001386027.1, NM_001386028.1); short protein forms D137N, D73N.
Identifiers: ClinVar variation 245687 (VCV000245687.16), dbSNP rs879253900, ClinGen allele CA10584384.